The following is an entry in ClinVar:

ClinVar aggregate classification (germline): Likely benign. Review status: criteria provided, multiple submitters, no conflicts (2 of 4 stars). 4 submissions from 4 submitters: Likely benign (4). Last evaluated 2025-08-26.

Conditions:
Cardiovascular phenotype. Identifiers: MedGen CN230736.
Hypercholesterolemia, autosomal dominant, type B (FHCL2). Also called: Familial Hypercholesterolemia Type B; Hyperlipoproteinemia Type IIb; APOB-Related Familial Hypercholesterolemia, Autosomal Dominant; Familial hypercholesterolemia 2; APOLIPOPROTEIN B-100, FAMILIAL DEFECTIVE; APOLIPOPROTEIN B-100, FAMILIAL LIGAND-DEFECTIVE. Identifiers: MedGen C1704417, MONDO:0007751, OMIM 144010.
Familial hypobetalipoproteinemia 1. Also called: Hypobetalipoproteinemia, normotriglyceridemic; Acanthocytosis with hypobetalipoproteinemia; APOB-Related Familial Hypobetalipoproteinemia. Identifiers: MedGen C4551990, MONDO:0014252, OMIM 615558.
Familial hypercholesterolemia. Also called: Familial hypercholesterolaemia; Familial hypercholesterolemias. Identifiers: MedGen C0020445, MONDO:0005439.

Allele frequency attached by ClinVar (database versions not stated): gnomAD exomes 0.00002 and 0.00006; ExAC 0.00005; TOPMed 0.00022; ESP Exome Variant Server 0.00023; gnomAD 0.00023 and 0.00024; 1000 Genomes Project 0.00040; 1000 Genomes Project 30x 0.00047.
gnomAD v4.1: 72 of 1,614,074 alleles (0.0045%); highest among the groups gnomAD compares: African/African-American, 0.091%; no homozygotes.

Submissions (4):

Labcorp Genetics (formerly Invitae), Labcorp
Classification: Likely benign for Familial hypobetalipoproteinemia 1; Hypercholesterolemia, autosomal dominant, type B. Last evaluated: 2025-08-26. Review status: criteria provided, single submitter. Criteria: Invitae Variant Classification Sherloc (09022015). Collection method: clinical testing. Allele origin: germline.

GENinCode PLC
Classification: Likely benign for Familial hypercholesterolemia. Last evaluated: 2025-02-05. Review status: criteria provided, single submitter. Criteria: ACMG Guidelines, 2015. Collection method: clinical testing. Allele origin: germline.
Comment: This is a synonymous (silent) variant that is not predicted to impact splicing and occurs at a nucleotide which is not highly conserved. This variant has been classified as Likely Benign (BP4, BP7).

Ambry Genetics
Classification: Likely benign for Cardiovascular phenotype. Last evaluated: 2022-03-06. Review status: criteria provided, single submitter. Criteria: Ambry Variant Classification Scheme 2023. Collection method: clinical testing. Allele origin: germline.

GeneDx
Classification: Likely benign. Last evaluated: 2017-09-07. Review status: criteria provided, single submitter. Criteria: GeneDx Variant Classification (06012015). Collection method: clinical testing. Allele origin: germline. Affected: yes.
Comment: This variant is considered likely benign or benign based on one or more of the following criteria: it is a conservative change, it occurs at a poorly conserved position in the protein, it is predicted to be benign by multiple in silico algorithms, and/or has population frequency not consistent with disease.

NM_000384.3(APOB):c.8994C>T (p.Gly2998=)

Gene: APOB (apolipoprotein B; minus strand). Cytogenetic location: 2p24.1.
Variant type: single nucleotide variant.
Coding change: c.8994C>T on transcript NM_000384.3 (MANE Select); coding-DNA position 8994, C replaced by T.
Protein change: p.Gly2998=; no amino-acid change (glycine 2998 retained).
Molecular consequence: synonymous variant.
Genome position (GRCh38, 1-based): chr2:21,007,874, G>A on the plus strand (C>T on the coding strand, the complement: APOB is on the minus strand). VCF-style: chr2-21007874-G-A. GRCh37 (hg19) VCF-style: chr2-21230746-G-A.
Identifiers: ClinVar variation 511869 (VCV000511869.16), dbSNP rs139332237, ClinGen allele CA066160.